The following is an entry in ClinVar:

NM_000069.3(CACNA1S):c.3189C>T (p.Phe1063=)

Gene: CACNA1S (calcium voltage-gated channel subunit alpha1 S; minus strand). Cytogenetic location: 1q32.1.
Variant type: single nucleotide variant.
Coding change: c.3189C>T on transcript NM_000069.3 (MANE Select); coding-DNA position 3189, C replaced by T.
Protein change: p.Phe1063=; no amino-acid change (phenylalanine 1063 retained).
Molecular consequence: synonymous variant.
Genome position (GRCh38, 1-based): chr1:201,061,333, G>A on the plus strand (C>T on the coding strand, the complement: CACNA1S is on the minus strand). VCF-style: chr1-201061333-G-A. GRCh37 (hg19) VCF-style: chr1-201030461-G-A.
Identifiers: ClinVar variation 69079 (VCV000069079.18), dbSNP rs150020550, ClinGen allele CA079585.

ClinVar aggregate classification (germline): Conflicting classifications of pathogenicity. Review status: criteria provided, conflicting classifications (1 of 4 stars). 6 submissions from 6 submitters: Uncertain significance (1); Benign (1); Likely benign (4). Last evaluated 2026-02-01.

Conditions:
Hypokalemic periodic paralysis, type 1. Also called: HypoPP; Hypokalemic Periodic Paralysis Type 1 (AD). Identifiers: Orphanet 681, MedGen C3714580, MONDO:0042979, OMIM 170400.
Malignant hyperthermia, susceptibility to, 5 (MHS5). Also called: CACNA1S-Related Malignant Hyperthermia Susceptibility. Identifiers: Orphanet 423, MedGen C1866077, MONDO:0011163, OMIM 601887.

Allele frequency attached by ClinVar (database versions not stated): gnomAD exomes 0.00009 and 0.00002; 1000 Genomes Project 30x 0.00016; 1000 Genomes Project 0.00020; gnomAD 0.00001 and 0.00002; TOPMed 0.00002; ExAC 0.00005.
gnomAD v4.1: 32 of 1,614,192 alleles (0.002%); highest among the groups gnomAD compares: East Asian, 0.045%; no homozygotes.

Submissions (6):

Labcorp Genetics (formerly Invitae), Labcorp
Classification: Likely benign for Hypokalemic periodic paralysis, type 1; Malignant hyperthermia, susceptibility to, 5. Last evaluated: 2026-02-01. Review status: criteria provided, single submitter. Criteria: Invitae Variant Classification Sherloc (09022015). Collection method: clinical testing. Allele origin: germline.

Blueprint Genetics
Classification: Likely benign. Last evaluated: 2024-01-02. Review status: criteria provided, single submitter. Criteria: ACMG Guidelines, 2015. Collection method: clinical testing. Allele origin: germline.

All of Us Research Program, National Institutes of Health
Classification: Likely benign for Malignant hyperthermia, susceptibility to, 5. Last evaluated: 2023-12-18. Review status: criteria provided, single submitter. Criteria: ACMG Guidelines, 2015. Collection method: clinical testing. Allele origin: germline. Inheritance: Autosomal dominant inheritance. Observed: 7 variant alleles, 7 heterozygotes.
Comment: This study involves interpretation of variants in research participants for the purpose of population health screening. Participant phenotype was not available at the time of variant classification. Additional details can be found in publication PMID: 35346344, PMCID: PMC8962531

Color Diagnostics, LLC DBA Color Health
Classification: Likely benign for Malignant hyperthermia, susceptibility to, 5. Last evaluated: 2022-11-06. Review status: criteria provided, single submitter. Criteria: ACMG Guidelines, 2015. Collection method: clinical testing. Allele origin: germline.

Illumina Laboratory Services, Illumina
Classification: Uncertain significance for Hypokalemic periodic paralysis, type 1. Last evaluated: 2018-01-13. Review status: criteria provided, single submitter. Criteria: ICSL Variant Classification Criteria 13 December 2019. Collection method: clinical testing. Allele origin: germline.

Athena Diagnostics
Classification: Benign. Last evaluated: 2017-06-15. Review status: criteria provided, single submitter. Criteria: Athena Diagnostics Criteria. Collection method: clinical testing. Allele origin: germline.